The following is an entry in ClinVar:

ClinVar aggregate classification (germline): Uncertain significance (1 of 4 stars; one submission).

Conditions:
Autosomal recessive limb-girdle muscular dystrophy type 2O. Also called: Limb-Girdle Muscular Dystrophy Type 3C; MUSCULAR DYSTROPHY-DYSTROGLYCANOPATHY (LIMB-GIRDLE), TYPE C, 3; MUSCULAR DYSTROPHY-DYSTROGLYCANOPATHY, LIMB-GIRDLE, POMGNT1-RELATED. Identifiers: Orphanet 206564, MedGen C3150417, MONDO:0013161, OMIM 613157.
Muscular dystrophy-dystroglycanopathy (congenital with impaired intellectual development), type B, 3. Also called: MUSCULAR DYSTROPHY, CONGENITAL, POMGNT1-RELATED; Muscular dystrophy-dystroglycanopathy (congenital with intellectual disability), type B3. Identifiers: MedGen C3150412, MONDO:0013155, OMIM 613151.

Submission:

Labcorp Genetics (formerly Invitae), Labcorp
Classification: Uncertain significance for Autosomal recessive limb-girdle muscular dystrophy type 2O; Muscular dystrophy-dystroglycanopathy (congenital with impaired intellectual development), type B, 3. Last evaluated: 2020-05-27. Review status: criteria provided, single submitter. Criteria: Invitae Variant Classification Sherloc (09022015). Collection method: clinical testing. Allele origin: germline.
Comment: This variant has not been reported in the literature in individuals with POMGNT1-related conditions. This sequence change replaces tryptophan with arginine at codon 210 of the POMGNT1 protein (p.Trp210Arg). The tryptophan residue is highly conserved and there is a moderate physicochemical difference between tryptophan and arginine. This variant is not present in population databases (ExAC no frequency). Algorithms developed to predict the effect of missense changes on protein structure and function (SIFT, PolyPhen-2, Align-GVGD) all suggest that this variant is likely to be disruptive, but these predictions have not been confirmed by published functional studies and their clinical significance is uncertain. This variant disrupts the p.Trp210 amino acid residue in POMGNT1. Other variant(s) that disrupt this residue have been determined to be pathogenic (PMID: 22323514). This suggests that this residue is clinically significant, and that variants that disrupt this residue are likely to be disease-causing. In summary, the available evidence is currently insufficient to determine the role of this variant in disease. Therefore, it has been classified as a Variant of Uncertain Significance.

Literature cited by the submitters: PubMed 22323514.

NM_017739.4(POMGNT1):c.628T>C (p.Trp210Arg)

Genes: TSPAN1 (tetraspanin 1; plus strand), POMGNT1 (protein O-linked mannose N-acetylglucosaminyltransferase 1 (beta 1,2-); minus strand). Cytogenetic location: 1p34.1.
Variant type: single nucleotide variant.
Coding change: c.628T>C on transcript NM_017739.4 (MANE Select); coding-DNA position 628, T replaced by C.
Protein change: p.Trp210Arg; replaces tryptophan 210 with arginine.
Molecular consequence: missense variant.
Genome position (GRCh38, 1-based): chr1:46,194,868, A>G on the plus strand (T>C on the coding strand, the complement: POMGNT1 is on the minus strand). VCF-style: chr1-46194868-A-G. GRCh37 (hg19) VCF-style: chr1-46660540-A-G.
Other names: c.628T>C, p.Trp210Arg (NM_001243766.2, NM_001410783.1); c.562T>C, p.Trp188Arg (NM_001290129.3); c.199T>C, p.Trp67Arg (NM_001290130.2); short protein forms W188R, W210R, W67R.
Identifiers: ClinVar variation 1021795 (VCV001021795.9), dbSNP rs1658098171, ClinGen allele CA340186612.